The following is an entry in ClinVar:

NM_000361.3(THBD):c.1546G>T (p.Gly516Cys)

Gene: THBD (thrombomodulin; minus strand). Cytogenetic location: 20p11.21.
Variant type: single nucleotide variant.
Coding change: c.1546G>T on transcript NM_000361.3 (MANE Select); coding-DNA position 1546, G replaced by T.
Protein change: p.Gly516Cys; replaces glycine 516 with cysteine.
Molecular consequence: missense variant.
Genome position (GRCh38, 1-based): chr20:23,047,959, C>A on the plus strand (G>T on the coding strand, the complement: THBD is on the minus strand). VCF-style: chr20-23047959-C-A. GRCh37 (hg19) VCF-style: chr20-23028596-C-A.
Other names: short protein forms G516C.
Identifiers: ClinVar variation 3378370 (VCV003378370.1).
Genomic context (GRCh38, chr20:23,047,959, plus strand): 5'-GGAGCGCCAAAAGCGCCACCACCAGGCACAGGCTCGCGATGGAGATGCCTATGAGCAAGC[C>A]CGAATGCACGAGCCCCACGGCCGGAGGAGTCAAGGTGGAGCCGGGCGTCGGGCTGGGCGG-3'
Protein context (NP_000352.1, residues 506-526): TPPAVGLVHS[Gly516Cys]LLIGISIASL

ClinVar aggregate classification (germline): Uncertain significance (1 of 4 stars; one submission).

Submission:

GeneDx
Classification: Uncertain significance. Last evaluated: 2024-05-15. Review status: criteria provided, single submitter. Criteria: GeneDx Variant Classification Process June 2021. Collection method: clinical testing. Allele origin: germline. Affected: yes.
Comment: Not observed at significant frequency in large population cohorts (gnomAD); In silico analysis supports that this missense variant has a deleterious effect on protein structure/function; Has not been previously published as pathogenic or benign to our knowledge